The following is an entry in ClinVar:

NM_000535.7(PMS2):c.1013C>A (p.Pro338Gln)

Gene: PMS2 (PMS1 homolog 2, mismatch repair system component; minus strand). Cytogenetic location: 7p22.1.
Variant type: single nucleotide variant.
Coding change: c.1013C>A on transcript NM_000535.7 (MANE Select); coding-DNA position 1013, C replaced by A.
Protein change: p.Pro338Gln; replaces proline 338 with glutamine.
Molecular consequence: missense variant. On other transcripts: non-coding transcript variant (1), intron variant (10).
Genome position (GRCh38, 1-based): chr7:5,989,931, G>T on the plus strand (C>A on the coding strand, the complement: PMS2 is on the minus strand). VCF-style: chr7-5989931-G-T. GRCh37 (hg19) VCF-style: chr7-6029562-G-T.
Other names: c.608C>A, p.Pro203Gln (NM_001018040.1, NM_001322003.2, NM_001322004.2 and 17 more transcripts); c.695C>A, p.Pro232Gln (NM_001322007.2, NM_001322008.2, NM_001406876.1 and 2 more transcripts); c.80C>A, p.Pro27Gln (NM_001322011.2, NM_001322012.2); c.440C>A, p.Pro147Gln (NM_001322013.2, NM_001406909.1); c.1013C>A, p.Pro338Gln (NM_001322014.2, NM_001406871.1, NM_001406872.1); c.704C>A, p.Pro235Gln (NM_001322015.2, NM_001406875.1, NM_001406877.1 and 5 more transcripts); c.1199C>A, p.Pro400Gln (NM_001406866.1); c.1037C>A, p.Pro346Gln (NM_001406868.1); and 13 more; short protein forms P147Q, P203Q, P235Q, P27Q, P282Q, P226Q, P346Q, P216Q.
Identifiers: ClinVar variation 2885295 (VCV002885295.3), dbSNP rs1554298804, ClinGen allele CA366742991.

ClinVar aggregate classification (germline): Uncertain significance (1 of 4 stars; one submission).

Conditions:
Hereditary nonpolyposis colorectal neoplasms. Identifiers: MedGen C0009405, MeSH D003123.

Submission:

Labcorp Genetics (formerly Invitae), Labcorp
Classification: Uncertain significance for Hereditary nonpolyposis colorectal neoplasms. Last evaluated: 2023-07-17. Review status: criteria provided, single submitter. Criteria: Invitae Variant Classification Sherloc (09022015). Collection method: clinical testing. Allele origin: germline.
Comment: Advanced modeling of protein sequence and biophysical properties (such as structural, functional, and spatial information, amino acid conservation, physicochemical variation, residue mobility, and thermodynamic stability) performed at Invitae indicates that this missense variant is expected to disrupt PMS2 protein function. In summary, the available evidence is currently insufficient to determine the role of this variant in disease. Therefore, it has been classified as a Variant of Uncertain Significance. This variant has not been reported in the literature in individuals affected with PMS2-related conditions. This variant is not present in population databases (gnomAD no frequency). This sequence change replaces proline, which is neutral and non-polar, with glutamine, which is neutral and polar, at codon 338 of the PMS2 protein (p.Pro338Gln).